The following is an entry in ClinVar:

NM_000257.4(MYH7):c.3727-8C>T

Gene: MYH7 (myosin heavy chain 7; minus strand). Cytogenetic location: 14q11.2.
Variant type: single nucleotide variant.
Coding change: c.3727-8C>T on transcript NM_000257.4 (MANE Select); 8 bases into the intron before coding-DNA position 3727, C replaced by T.
Molecular consequence: intron variant.
Genome position (GRCh38, 1-based): chr14:23,419,617, G>A on the plus strand (C>T on the coding strand, the complement: MYH7 is on the minus strand). VCF-style: chr14-23419617-G-A. GRCh37 (hg19) VCF-style: chr14-23888826-G-A.
Identifiers: ClinVar variation 1080854 (VCV001080854.12), dbSNP rs1892384390, ClinGen allele CA2123445570.

ClinVar aggregate classification (germline): Likely benign. Review status: criteria provided, multiple submitters, no conflicts (2 of 4 stars). 3 submissions from 3 submitters: Likely benign (3). Last evaluated 2025-11-17.

Conditions:
Hypertrophic cardiomyopathy. Also called: HYPERTROPHIC MYOCARDIOPATHY. Identifiers: Orphanet 217569, MedGen C0007194, MeSH D002312, MONDO:0005045, HP:0001639.
Cardiomyopathy (CMYO). Also called: Cardiomyopathies. Identifiers: Orphanet 167848, MedGen C0878544, MONDO:0004994, HP:0001638. Inheritance: Various modes of inheritance.

Allele frequency attached by ClinVar (database versions not stated): gnomAD exomes below 0.00001.
gnomAD v4.1: 1 of 1,614,108 alleles (0.000062%); highest among the groups gnomAD compares: African/African-American, 0.0013%; no homozygotes.

Submissions (3):

Labcorp Genetics (formerly Invitae), Labcorp
Classification: Likely benign for Hypertrophic cardiomyopathy. Last evaluated: 2025-11-17. Review status: criteria provided, single submitter. Criteria: Invitae Variant Classification Sherloc (09022015). Collection method: clinical testing. Allele origin: germline.

All of Us Research Program, National Institutes of Health
Classification: Likely benign for Cardiomyopathy. Last evaluated: 2023-01-10. Review status: criteria provided, single submitter. Criteria: ACMG Guidelines, 2015. Collection method: clinical testing. Allele origin: germline. Inheritance: Autosomal dominant inheritance. Observed: 1 variant allele, 1 heterozygote.
Comment: This study involves interpretation of variants in research participants for the purpose of population health screening. Participant phenotype was not available at the time of variant classification. Additional details can be found in publication PMID: 35346344, PMCID: PMC8962531

Color Diagnostics, LLC DBA Color Health
Classification: Likely benign for Cardiomyopathy. Last evaluated: 2021-09-08. Review status: criteria provided, single submitter. Criteria: ACMG Guidelines, 2015. Collection method: clinical testing. Allele origin: germline.